The following is an entry in ClinVar:

ClinVar aggregate classification (germline): Uncertain significance (1 of 4 stars; one submission).

Conditions:
Emery-Dreifuss muscular dystrophy 5, autosomal dominant (EDMD5). Also called: EMERY-DREIFUSS MUSCULAR DYSTROPHY 5. Identifiers: Orphanet 261, MedGen C2751805, MONDO:0013072, OMIM 612999.

Allele frequency attached by ClinVar (database versions not stated): gnomAD exomes below 0.00001.
gnomAD v4.1: 2 of 1,614,132 alleles (0.00012%); highest among the groups gnomAD compares: Admixed American, 0.0033%; no homozygotes.

Submission:

Labcorp Genetics (formerly Invitae), Labcorp
Classification: Uncertain significance for Emery-Dreifuss muscular dystrophy 5, autosomal dominant. Last evaluated: 2022-07-12. Review status: criteria provided, single submitter. Criteria: Invitae Variant Classification Sherloc (09022015). Collection method: clinical testing. Allele origin: germline.
Comment: Algorithms developed to predict the effect of sequence changes on RNA splicing suggest that this variant may create or strengthen a splice site. In summary, the available evidence is currently insufficient to determine the role of this variant in disease. Therefore, it has been classified as a Variant of Uncertain Significance. ClinVar contains an entry for this variant (Variation ID: 1390614). This sequence change replaces leucine, which is neutral and non-polar, with valine, which is neutral and non-polar, at codon 4035 of the SYNE2 protein (p.Leu4035Val). This variant is present in population databases (no rsID available, gnomAD 0.003%). This variant has not been reported in the literature in individuals affected with SYNE2-related conditions. Algorithms developed to predict the effect of missense changes on protein structure and function output the following: SIFT: "Tolerated"; PolyPhen-2: "Benign"; Align-GVGD: "Class C0". The valine amino acid residue is found in multiple mammalian species, which suggests that this missense change does not adversely affect protein function.

NM_182914.3(SYNE2):c.12103C>G (p.Leu4035Val)

Gene: SYNE2 (spectrin repeat containing nuclear envelope protein 2; plus strand). Cytogenetic location: 14q23.2.
Variant type: single nucleotide variant.
Coding change: c.12103C>G on transcript NM_182914.3 (MANE Select); coding-DNA position 12103, C replaced by G.
Protein change: p.Leu4035Val; replaces leucine 4035 with valine.
Molecular consequence: missense variant.
Genome position (GRCh38, 1-based): chr14:64,093,475, C>G. VCF-style: chr14-64093475-C-G. GRCh37 (hg19) VCF-style: chr14-64560193-C-G.
Other names: c.12103C>G, p.Leu4035Val (NM_015180.6); short protein forms L4035V.
Identifiers: ClinVar variation 1390614 (VCV001390614.6), dbSNP rs1395737115, ClinGen allele CA389950503.
Genomic context (GRCh38, chr14:64,093,475, plus strand): 5'-TATTCAGCTCAGTTCTCCCTTGAACATATGTCACCAGACCAAGCTGACAAGCTGCCACAA[C>G]TACAGGTATGTTTCTTTCATTCATAAAGGTATGTTTCATTTGTCCATCAGTGCATTTATT-3'
Protein context (NP_878918.2, residues 4025-4045): SPDQADKLPQ[Leu4035Val]QGEIERMEKQ